The following is an entry in ClinVar:

NM_001009944.3(PKD1):c.3524C>T (p.Pro1175Leu)

Gene: PKD1 (polycystin 1, transient receptor potential channel interacting; minus strand). Cytogenetic location: 16p13.3.
Variant type: single nucleotide variant.
Coding change: c.3524C>T on transcript NM_001009944.3 (MANE Select); coding-DNA position 3524, C replaced by T.
Protein change: p.Pro1175Leu; replaces proline 1175 with leucine.
Molecular consequence: missense variant.
Genome position (GRCh38, 1-based): chr16:2,111,643, G>A on the plus strand (C>T on the coding strand, the complement: PKD1 is on the minus strand). VCF-style: chr16-2111643-G-A. GRCh37 (hg19) VCF-style: chr16-2161644-G-A.
Other names: c.3524C>T, p.Pro1175Leu (NM_000296.4); short protein forms P1175L.
Identifiers: ClinVar variation 3351266 (VCV003351266.2).

ClinVar aggregate classification (germline): Uncertain significance (1 of 4 stars; one submission).

Conditions:
PKD1-related disorder. Also called: PKD1-related condition.

gnomAD v4.1: 34 of 1,573,414 alleles (0.0022%); highest among the groups gnomAD compares: African/African-American, 0.013%; no homozygotes.

Submission:

PreventionGenetics, part of Exact Sciences
Classification: Uncertain significance for PKD1-related condition. Last evaluated: 2026-04-12. Review status: criteria provided, single submitter. Criteria: ACMG Guidelines, 2015. Collection method: clinical testing. Allele origin: germline.
Comment: The PKD1 c.3524C>T variant is predicted to result in the amino acid substitution p.Pro1175Leu. To our knowledge, this variant has not been reported in the literature. This variant is reported in 0.013% of alleles in individuals of East Asian descent in gnomAD. Although we suspect that this variant may be benign, at this time, the clinical significance of this variant is uncertain due to the absence of conclusive functional and genetic evidence.